The following is an entry in ClinVar:

NM_001267550.2(TTN):c.106765G>A (p.Val35589Ile)

Genes: TTN-AS1 (TTN antisense RNA 1; plus strand), TTN (titin; minus strand). Cytogenetic location: 2q31.2.
Variant type: single nucleotide variant.
Coding change: c.106765G>A on transcript NM_001267550.2 (MANE Select); coding-DNA position 106765, G replaced by A.
Protein change: p.Val35589Ile; replaces valine 35589 with isoleucine.
Molecular consequence: missense variant.
Genome position (GRCh38, 1-based): chr2:178,528,986, C>T on the plus strand (G>A on the coding strand, the complement: TTN is on the minus strand). VCF-style: chr2-178528986-C-T. GRCh37 (hg19) VCF-style: chr2-179393713-C-T.
Other names: c.101842G>A, p.Val33948Ile (NM_001256850.1); c.79570G>A, p.Val26524Ile (NM_003319.4); c.99061G>A, p.Val33021Ile (NM_133378.4); c.79945G>A, p.Val26649Ile (NM_133432.3); c.80146G>A, p.Val26716Ile (NM_133437.4); short protein forms V26524I, V26716I, V33021I, V26649I, V33948I, V35589I.
Identifiers: ClinVar variation 1462683 (VCV001462683.6), dbSNP rs745560169, ClinGen allele CA349403172.
Genomic context (GRCh38, chr2:178,528,986, plus strand): 5'-TCTCAGCATGAGTTCTGACTTCTTCTGATGCCTGTGATGTTTTAGTGATTTCCTCATGGA[C>T]AATGGATTTTTCCAGGGAGGTTGCTGCTGATTTCTTGACTTCTTCAGAAATCAGAACCTT-3'
Protein context (NP_001254479.2, residues 35579-35599): SAATSLEKSI[Val35589Ile]HEEITKTSQA

ClinVar aggregate classification (germline): Uncertain significance (1 of 4 stars; one submission).

Conditions:
Dilated cardiomyopathy 1G (CMD1G). Identifiers: Orphanet 154, MedGen C1858763, MONDO:0011400, OMIM 604145.
Autosomal recessive limb-girdle muscular dystrophy type 2J (LGMDR10). Also called: Limb-girdle muscular dystrophy, type 2J; MUSCULAR DYSTROPHY, LIMB-GIRDLE, AUTOSOMAL RECESSIVE 10. Identifiers: Orphanet 140922, MedGen C1837342, MONDO:0012127, OMIM 608807.

Allele frequency attached by ClinVar (database versions not stated): TOPMed below 0.00001.
gnomAD v4.1: 1 of 1,613,992 alleles (0.000062%); highest among the groups gnomAD compares: African/African-American, 0.0013%; no homozygotes.

Submission:

Labcorp Genetics (formerly Invitae), Labcorp
Classification: Uncertain significance for Dilated cardiomyopathy 1G; Autosomal recessive limb-girdle muscular dystrophy type 2J. Last evaluated: 2021-03-15. Review status: criteria provided, single submitter. Criteria: Invitae Variant Classification Sherloc (09022015). Collection method: clinical testing. Allele origin: germline.
Comment: This variant is located in the M band of TTN (PMID: 25589632). Variants in this region may be relevant for neuromuscular disorders, but have not been definitively shown to cause cardiomyopathy (PMID: 23975875). The isoleucine amino acid residue is found in multiple mammalian species, suggesting that this missense change does not adversely affect protein function. These predictions have not been confirmed by published functional studies and their clinical significance is uncertain. In summary, the available evidence is currently insufficient to determine the role of this variant in disease. Therefore, it has been classified as a Variant of Uncertain Significance. Experimental studies and prediction algorithms are not available or were not evaluated, and the functional significance of this variant is currently unknown. This variant has not been reported in the literature in individuals with TTN-related conditions. This variant is not present in population databases (ExAC no frequency). This sequence change replaces valine with isoleucine at codon 35589 of the TTN protein (p.Val35589Ile). There is a small physicochemical difference between valine and isoleucine.

Literature cited by the submitters: PubMed 25589632; PubMed 23975875.